The following is an entry in ClinVar:

ClinVar aggregate classification (germline): Uncertain significance. Review status: criteria provided, multiple submitters, no conflicts (2 of 4 stars). 2 submissions from 2 submitters: Uncertain significance (2). Last evaluated 2023-11-02.

Conditions:
Hereditary spastic paraplegia 4. Also called: Spastic Paraplegia 4; Spastic paraplegia 4, autosomal dominant; Familial spastic paraplegia autosomal dominant 2. Identifiers: Orphanet 100985, MedGen C1866855, MONDO:0008438, OMIM 182601.

Submissions (2):

Labcorp Genetics (formerly Invitae), Labcorp
Classification: Uncertain significance for Hereditary spastic paraplegia 4. Last evaluated: 2023-11-02. Review status: criteria provided, single submitter. Criteria: Invitae Variant Classification Sherloc (09022015). Collection method: clinical testing. Allele origin: germline.
Comment: This sequence change falls in intron 4 of the SPAST gene. It does not directly change the encoded amino acid sequence of the SPAST protein. It affects a nucleotide within the consensus splice site. This variant is not present in population databases (gnomAD no frequency). This variant has not been reported in the literature in individuals affected with SPAST-related conditions. Variants that disrupt the consensus splice site are a relatively common cause of aberrant splicing (PMID: 17576681, 9536098). Algorithms developed to predict the effect of sequence changes on RNA splicing suggest that this variant may disrupt the consensus splice site. In summary, the available evidence is currently insufficient to determine the role of this variant in disease. Therefore, it has been classified as a Variant of Uncertain Significance.

Blueprint Genetics
Classification: Uncertain significance. Last evaluated: 2018-04-18. Review status: criteria provided, single submitter. Criteria: ACMG Guidelines, 2015. Collection method: clinical testing. Allele origin: germline.

Literature cited by the submitters: PubMed 17576681 (cited by Labcorp Genetics (formerly Invitae), Labcorp); PubMed 9536098 (cited by Labcorp Genetics (formerly Invitae), Labcorp).

NM_014946.4(SPAST):c.683-3C>G

Gene: SPAST (spastin; plus strand). Cytogenetic location: 2p22.3.
Variant type: single nucleotide variant.
Coding change: c.683-3C>G on transcript NM_014946.4 (MANE Select); 3 bases into the intron before coding-DNA position 683, C replaced by G.
Molecular consequence: intron variant.
Genome position (GRCh38, 1-based): chr2:32,114,635, C>G. VCF-style: chr2-32114635-C-G. GRCh37 (hg19) VCF-style: chr2-32339704-C-G.
Other names: c.587-3C>G (NM_199436.2, NM_001377959.1); c.680-3C>G (NM_001363823.2); c.584-3C>G (NM_001363875.2).
Identifiers: ClinVar variation 2692771 (VCV002692771.4), dbSNP rs2465835003, ClinGen allele CA2697547982.